The following is an entry in ClinVar:

ClinVar aggregate classification (germline): Uncertain significance (1 of 4 stars; one submission).

Conditions:
Hyperornithinemia-hyperammonemia-homocitrullinuria syndrome (HHHS). Also called: HHH SYNDROME; Ornithine translocase deficiency. Identifiers: Orphanet 415, MedGen C0268540, MONDO:0009393, OMIM 238970.

Submission:

Labcorp Genetics (formerly Invitae), Labcorp
Classification: Uncertain significance for Hyperornithinemia-hyperammonemia-homocitrullinuria syndrome. Last evaluated: 2021-08-30. Review status: criteria provided, single submitter. Criteria: Invitae Variant Classification Sherloc (09022015). Collection method: clinical testing. Allele origin: germline.
Comment: This sequence change replaces glycine with glutamic acid at codon 16 of the SLC25A15 protein (p.Gly16Glu). The glycine residue is highly conserved and there is a moderate physicochemical difference between glycine and glutamic acid. This variant is not present in population databases (ExAC no frequency). This variant has not been reported in the literature in individuals affected with SLC25A15-related conditions. Algorithms developed to predict the effect of missense changes on protein structure and function are either unavailable or do not agree on the potential impact of this missense change (SIFT: "Deleterious"; PolyPhen-2: "Probably Damaging"; Align-GVGD: "Class C0"). In summary, the available evidence is currently insufficient to determine the role of this variant in disease. Therefore, it has been classified as a Variant of Uncertain Significance.

NM_014252.4(SLC25A15):c.47G>A (p.Gly16Glu)

Gene: SLC25A15 (solute carrier family 25 member 15; plus strand). Cytogenetic location: 13q14.11.
Variant type: single nucleotide variant.
Coding change: c.47G>A on transcript NM_014252.4 (MANE Select); coding-DNA position 47, G replaced by A.
Protein change: p.Gly16Glu; replaces glycine 16 with glutamic acid.
Molecular consequence: missense variant.
Genome position (GRCh38, 1-based): chr13:40,793,273, G>A. VCF-style: chr13-40793273-G-A. GRCh37 (hg19) VCF-style: chr13-41367409-G-A.
Other names: short protein forms G16E.
Identifiers: ClinVar variation 1421431 (VCV001421431.5), dbSNP rs2138039633, ClinGen allele CA387916336.
Genomic context (GRCh38, chr13:40,793,273, plus strand): 5'-AAGAGTGGGCAAACATGAAATCCAATCCTGCTATCCAGGCTGCCATTGACCTCACAGCGG[G>A]GGCTGCAGGTACAGTCATGTGCCTCATCACCATGTTTCTGTCGTTGATGGATGGTGTATC-3'
Protein context (NP_055067.1, residues 6-26): AIQAAIDLTA[Gly16Glu]AAGGTACVLT